The following is an entry in ClinVar:

NM_198904.4(GABRG2):c.1001C>G (p.Ala334Gly)

Gene: GABRG2 (gamma-aminobutyric acid type A receptor subunit gamma2; plus strand). Cytogenetic location: 5q34.
Variant type: single nucleotide variant.
Coding change: c.1001C>G on transcript NM_198904.4 (MANE Select); coding-DNA position 1001, C replaced by G.
Protein change: p.Ala334Gly; replaces alanine 334 with glycine.
Molecular consequence: missense variant. On other transcripts: intron variant (1).
Genome position (GRCh38, 1-based): chr5:162,149,186, C>G. VCF-style: chr5-162149186-C-G. GRCh37 (hg19) VCF-style: chr5-161576192-C-G.
Other names: c.1001C>G, p.Ala334Gly (NM_000816.3); c.992C>G, p.Ala331Gly (NM_001375339.1); c.998C>G, p.Ala333Gly (NM_001375341.1, NM_001375342.1); c.1121C>G, p.Ala374Gly (NM_001375343.1, NM_198903.2); c.1040C>G, p.Ala347Gly (NM_001375344.1); c.935C>G, p.Ala312Gly (NM_001375345.1, NM_001375346.1); c.914C>G, p.Ala305Gly (NM_001375347.1); c.581C>G, p.Ala194Gly (NM_001375348.1, NM_001375350.1); and 2 more; short protein forms A194G, A239G, A305G, A312G, A331G, A333G, A334G, A347G.
Identifiers: ClinVar variation 4819182 (VCV004819182.1).
Genomic context (GRCh38, chr5:162,149,186, plus strand): 5'-CAATGACCACCCTCAGCACCATTGCCCGGAAATCGCTCCCCAAGGTCTCCTATGTCACAG[C>G]GATGGATCTCTTTGTATCTGTTTGTTTCATCTTTGTCTTCTCTGCTCTGGTGGAGTATGG-3'
Protein context (NP_944494.1, residues 324-344): KSLPKVSYVT[Ala334Gly]MDLFVSVCFI

ClinVar aggregate classification (germline): Likely pathogenic (1 of 4 stars; one submission).

Conditions:
Febrile seizures, familial, 8 (FEB8). Also called: CONVULSIONS, FAMILIAL FEBRILE, 8. Identifiers: Orphanet 36387, MedGen C1969810, MONDO:0011891, OMIM 607681.

gnomAD v4.1: 1 of 1,614,136 alleles (0.000062%); highest among the groups gnomAD compares: Non-Finnish European, 0.000085%; no homozygotes.

Submission:

Institute of Human Genetics, University of Leipzig Medical Center
Classification: Likely pathogenic for Febrile seizures, familial, 8. Last evaluated: 2026-01-05. Review status: criteria provided, single submitter. Criteria: ACMG Guidelines, 2015. Collection method: clinical testing. Allele origin: maternal. Inheritance: Autosomal dominant inheritance. Affected: yes.
Comment: Criteria applied: PM1,PM5,PM2_SUP,PP2,PP3